The following is an entry in ClinVar:

ClinVar aggregate classification (germline): Uncertain significance. Review status: criteria provided, multiple submitters, no conflicts (2 of 4 stars). 3 submissions from 3 submitters: Uncertain significance (3). Last evaluated 2024-02-06.

Conditions:
Autosomal dominant nonsyndromic hearing loss 6 (LFSNHL). Also called: Autosomal dominant nonsyndromic deafness 6; DEAFNESS, AUTOSOMAL DOMINANT 6; DEAFNESS, AUTOSOMAL DOMINANT 14; DEAFNESS, AUTOSOMAL DOMINANT 38. Identifiers: Orphanet 90635, MedGen C1833021, MONDO:0010963, OMIM 600965.
Type 2 diabetes mellitus. Also called: Type II diabetes mellitus. Identifiers: MedGen C0011860, MeSH D003924, MONDO:0005148, OMIM 125853, HP:0005978.
Wolfram-like syndrome. Also called: HEARING LOSS, PROGRESSIVE, WITH OPTIC ATROPHY AND/OR IMPAIRED GLUCOSE REGULATION. Identifiers: Orphanet 411590, MedGen C3280358, MONDO:0013673, OMIM 614296.
Cataract 41 (CTRCT41). Also called: CATARACT 41, CONGENITAL NUCLEAR TYPE. Identifiers: Orphanet 91492, Orphanet 98991, Orphanet 98992, Orphanet 98995, MedGen C3805412, MONDO:0007287, OMIM 116400.
Wolfram syndrome 1 (WFS1). Identifiers: Orphanet 3463, MedGen C4551693, MONDO:0009101, OMIM 222300.

Submissions (3):

Baylor Genetics
Classification: Uncertain significance for Wolfram-like syndrome. Last evaluated: 2024-02-06. Review status: criteria provided, single submitter. Criteria: ACMG Guidelines, 2015. Collection method: clinical testing. Allele origin: unknown.

Fulgent Genetics
Classification: Uncertain significance for Cataract 41; Type 2 diabetes mellitus; Wolfram syndrome 1; Autosomal dominant nonsyndromic hearing loss 6; Wolfram-like syndrome. Last evaluated: 2021-12-01. Review status: criteria provided, single submitter. Criteria: ACMG Guidelines, 2015. Collection method: clinical testing. Allele origin: unknown.

GeneDx
Classification: Uncertain significance. Last evaluated: 2021-01-06. Review status: criteria provided, single submitter. Criteria: GeneDx Variant Classification Process June 2021. Collection method: clinical testing. Allele origin: germline. Affected: yes.
Comment: Not observed in large population cohorts (Lek et al., 2016); In silico analysis supports that this missense variant has a deleterious effect on protein structure/function; Has not been previously published as pathogenic or benign to our knowledge

NM_006005.3(WFS1):c.1076T>A (p.Ile359Asn)

Gene: WFS1 (wolframin ER transmembrane glycoprotein; plus strand). Cytogenetic location: 4p16.1.
Variant type: single nucleotide variant.
Coding change: c.1076T>A on transcript NM_006005.3 (MANE Select); coding-DNA position 1076, T replaced by A.
Protein change: p.Ile359Asn; replaces isoleucine 359 with asparagine.
Molecular consequence: missense variant.
Genome position (GRCh38, 1-based): chr4:6,300,871, T>A. VCF-style: chr4-6300871-T-A. GRCh37 (hg19) VCF-style: chr4-6302598-T-A.
Other names: c.1076T>A, p.Ile359Asn (NM_001145853.1); short protein forms I359N.
Identifiers: ClinVar variation 1318136 (VCV001318136.4), dbSNP rs2109125284, ClinGen allele CA356174205.